The following is an entry in ClinVar:

ClinVar aggregate classification (germline): Uncertain significance (1 of 4 stars; one submission).

Submission:

GeneDx
Classification: Uncertain significance. Last evaluated: 2026-03-21. Review status: criteria provided, single submitter. Criteria: GeneDx Variant Classification Process June 2021. Collection method: clinical testing. Allele origin: germline.
Comment: Not observed at significant frequency in large population cohorts (gnomAD); In silico analysis supports a deleterious effect on protein structure/function; Has not been previously published as pathogenic or benign to our knowledge

NM_000214.3(JAG1):c.275_276delinsTT (p.Cys92Phe)

Gene: JAG1 (jagged canonical Notch ligand 1; minus strand). Cytogenetic location: 20p12.2.
Variant type: Indel.
Coding change: c.275_276delinsTT on transcript NM_000214.3 (MANE Select); coding-DNA positions 275 to 276, GC replaced by TT.
Protein change: p.Cys92Phe; replaces cysteine 92 with phenylalanine.
Molecular consequence: missense variant.
Genome position (GRCh38, 1-based): chr20:10,672,812-10,672,813, GC replaced by AA on the plus strand (GC replaced by TT on the coding strand, the reverse complement: JAG1 is on the minus strand). VCF-style: chr20-10672812-GC-AA. GRCh37 (hg19) VCF-style: chr20-10653460-GC-AA.
Other names: short protein forms C92F.
Identifiers: ClinVar variation 5009588 (VCV005009588.1).